The following is an entry in ClinVar:

ClinVar aggregate classification (germline): Uncertain significance (1 of 4 stars; one submission).

Allele frequency attached by ClinVar (database versions not stated): gnomAD exomes below 0.00001.

Submission:

Labcorp Genetics (formerly Invitae), Labcorp
Classification: Uncertain significance. Last evaluated: 2021-06-02. Review status: criteria provided, single submitter. Criteria: Invitae Variant Classification Sherloc (09022015). Collection method: clinical testing. Allele origin: germline.
Comment: This sequence change falls in intron 2 of the RP2 gene. It does not directly change the encoded amino acid sequence of the RP2 protein. It affects a nucleotide within the consensus splice site of the intron. This variant is not present in population databases (ExAC no frequency). This variant has not been reported in the literature in individuals with RP2-related conditions. Nucleotide substitutions within the consensus splice site are a relatively common cause of aberrant splicing (PMID: 17576681, 9536098). Algorithms developed to predict the effect of sequence changes on RNA splicing suggest that this variant may disrupt the consensus splice site, but this prediction has not been confirmed by published transcriptional studies. In summary, the available evidence is currently insufficient to determine the role of this variant in disease. Therefore, it has been classified as a Variant of Uncertain Significance.

Literature cited by the submitters: PubMed 17576681; PubMed 9536098.

NM_006915.3(RP2):c.768+3A>G

Gene: RP2 (RP2 activator of ARL3 GTPase; plus strand). Cytogenetic location: Xp11.3.
Variant type: single nucleotide variant.
Coding change: c.768+3A>G on transcript NM_006915.3 (MANE Select); 3 bases into the intron after coding-DNA position 768, A replaced by G.
Molecular consequence: intron variant.
Genome position (GRCh38, 1-based): chrX:46,854,144, A>G. VCF-style: chrX-46854144-A-G. GRCh37 (hg19) VCF-style: chrX-46713579-A-G.
Identifiers: ClinVar variation 1358495 (VCV001358495.3), dbSNP rs2147081608, ClinGen allele CA2573158916.